The following is an entry in ClinVar:

NM_001164508.2(NEB):c.3679A>T (p.Lys1227Ter)

Gene: NEB (nebulin; minus strand). Cytogenetic location: 2q23.3.
Variant type: single nucleotide variant.
Coding change: c.3679A>T on transcript NM_001164508.2 (MANE Select); coding-DNA position 3679, A replaced by T.
Protein change: p.Lys1227Ter; replaces lysine 1227 with a stop codon.
Molecular consequence: nonsense.
Genome position (GRCh38, 1-based): chr2:151,677,660, T>A on the plus strand (A>T on the coding strand, the complement: NEB is on the minus strand). VCF-style: chr2-151677660-T-A. GRCh37 (hg19) VCF-style: chr2-152534174-T-A.
Other names: c.3679A>T, p.Lys1227Ter (NM_001164507.2, NM_001271208.2, NM_004543.5); short protein forms K1227*.
Identifiers: ClinVar variation 1725694 (VCV001725694.2), dbSNP rs769891018, ClinGen allele CA348818544.

ClinVar aggregate classification (germline): Likely pathogenic (1 of 4 stars; one submission).

Conditions:
Nemaline myopathy 2 (NEM2). Also called: Nemaline myopathy 2, autosomal recessive. Identifiers: MedGen C1850569, MONDO:0009725, OMIM 256030.

Submission:

Myriad Genetics, Inc.
Classification: Likely pathogenic for Nemaline myopathy 2. Last evaluated: 2022-03-31. Review status: criteria provided, single submitter. Criteria: Myriad Women's Health Autosomal Recessive and X-Linked Classification Criteria (2021). Collection method: clinical testing. Allele origin: unknown.
Comment: NM_001271208.1(NEB):c.3679A>T(K1227*) is expected to be pathogenic in the context of NEB-related nemaline myopathy. This variant is predicted to lead to an abnormal or absent protein product due to the creation of a premature termination codon in NEB, a gene where loss-of-function variants are known to be pathogenic. Please note: this variant was assessed in the context of healthy population screening.